The following is an entry in ClinVar:

ClinVar aggregate classification (germline): Uncertain significance (1 of 4 stars; one submission).

Conditions:
Ataxia-telangiectasia syndrome (AT). Also called: Cerebello-oculocutaneous telangiectasia; Immunodeficiency with ataxia telangiectasia; ATAXIA-TELANGIECTASIA, COMPLEMENTATION GROUP A; ATAXIA-TELANGIECTASIA, FRESNO VARIANT; Ataxia-telangiectasia, complementation group E; LOUIS-BAR SYNDROME. Identifiers: Orphanet 100, MedGen C0004135, MONDO:0008840, OMIM 208900.

Submission:

Labcorp Genetics (formerly Invitae), Labcorp
Classification: Uncertain significance for Ataxia-telangiectasia syndrome. Last evaluated: 2022-05-27. Review status: criteria provided, single submitter. Criteria: Invitae Variant Classification Sherloc (09022015). Collection method: clinical testing. Allele origin: germline.
Comment: In summary, the available evidence is currently insufficient to determine the role of this variant in disease. Therefore, it has been classified as a Variant of Uncertain Significance. Algorithms developed to predict the effect of sequence changes on RNA splicing suggest that this variant may create or strengthen a splice site. Advanced modeling of protein sequence and biophysical properties (such as structural, functional, and spatial information, amino acid conservation, physicochemical variation, residue mobility, and thermodynamic stability) performed at Invitae indicates that this missense variant is not expected to disrupt ATM protein function. This variant has not been reported in the literature in individuals affected with ATM-related conditions. This variant is not present in population databases (gnomAD no frequency). This sequence change replaces alanine, which is neutral and non-polar, with valine, which is neutral and non-polar, at codon 216 of the ATM protein (p.Ala216Val).

NM_000051.4(ATM):c.647C>T (p.Ala216Val)

Gene: ATM (ATM serine/threonine kinase; plus strand). Cytogenetic location: 11q22.3.
Variant type: single nucleotide variant.
Coding change: c.647C>T on transcript NM_000051.4 (MANE Select); coding-DNA position 647, C replaced by T.
Protein change: p.Ala216Val; replaces alanine 216 with valine.
Molecular consequence: missense variant.
Genome position (GRCh38, 1-based): chr11:108,244,103, C>T. VCF-style: chr11-108244103-C-T. GRCh37 (hg19) VCF-style: chr11-108114830-C-T.
Other names: c.647C>T, p.Ala216Val (NM_001351834.2); short protein forms A216V.
Identifiers: ClinVar variation 1515004 (VCV001515004.6), dbSNP rs2135227079, ClinGen allele CA382528526.